The following is an entry in ClinVar:

NM_003489.4(NRIP1):c.1933G>C (p.Val645Leu)

Gene: NRIP1 (nuclear receptor interacting protein 1; minus strand). Cytogenetic location: 21q11.2.
Variant type: single nucleotide variant.
Coding change: c.1933G>C on transcript NM_003489.4 (MANE Select); coding-DNA position 1933, G replaced by C.
Protein change: p.Val645Leu; replaces valine 645 with leucine.
Molecular consequence: missense variant.
Genome position (GRCh38, 1-based): chr21:14,966,260, C>G on the plus strand (G>C on the coding strand, the complement: NRIP1 is on the minus strand). VCF-style: chr21-14966260-C-G. GRCh37 (hg19) VCF-style: chr21-16338581-C-G.
Other names: c.1933G>C (NM_003489.3); short protein forms V645L.
Identifiers: ClinVar variation 2202969 (VCV002202969.6), dbSNP rs150623834, ClinGen allele CA9981241.
Genomic context (GRCh38, chr21:14,966,260, plus strand): 5'-TACCTATCGGTTTATCTGTGTTTCCAGTTAACAGCTGTTTGCTGGGTCTCTGCTCTTCCA[C>G]TGACATGGATGACTGCATTCCACATTGTGCTAAATTTTGTAACAGCTTACTGGCACTAAA-3'
Protein context (NP_003480.2, residues 635-655): AQCGMQSSMS[Val645Leu]EEQRPSKQLL

ClinVar aggregate classification (germline): Uncertain significance. Review status: criteria provided, multiple submitters, no conflicts (2 of 4 stars). 2 submissions from 2 submitters: Uncertain significance (2). Last evaluated 2024-10-22.

Conditions:
Inborn genetic diseases. Identifiers: MedGen C0950123, MeSH D030342.

Allele frequency attached by ClinVar (database versions not stated): ESP Exome Variant Server 0.00008; ExAC 0.00009; gnomAD 0.00012.
gnomAD v4.1: 342 of 1,613,976 alleles (0.021%); highest among the groups gnomAD compares: Non-Finnish European, 0.027%; no homozygotes.

Submissions (2):

Labcorp Genetics (formerly Invitae), Labcorp
Classification: Uncertain significance. Last evaluated: 2024-10-22. Review status: criteria provided, single submitter. Criteria: Invitae Variant Classification Sherloc (09022015). Collection method: clinical testing. Allele origin: germline.
Comment: This sequence change replaces valine, which is neutral and non-polar, with leucine, which is neutral and non-polar, at codon 645 of the NRIP1 protein (p.Val645Leu). This variant is present in population databases (rs150623834, gnomAD 0.03%). This variant has not been reported in the literature in individuals affected with NRIP1-related conditions. ClinVar contains an entry for this variant (Variation ID: 2202969). An algorithm developed to predict the effect of missense changes on protein structure and function outputs the following: PolyPhen-2: "Benign". The leucine amino acid residue is found in multiple mammalian species, which suggests that this missense change does not adversely affect protein function. In summary, the available evidence is currently insufficient to determine the role of this variant in disease. Therefore, it has been classified as a Variant of Uncertain Significance.

Ambry Genetics
Classification: Uncertain significance for Inborn genetic diseases. Last evaluated: 2023-02-14. Review status: criteria provided, single submitter. Criteria: Ambry Variant Classification Scheme 2023. Collection method: clinical testing. Allele origin: germline.